The following is an entry in ClinVar:

ClinVar aggregate classification (germline): Uncertain significance (1 of 4 stars; one submission).

Conditions:
Hereditary pancreatitis (PCTT). Also called: Hereditary chronic pancreatitis; PRSS1-Related Hereditary Pancreatitis. Identifiers: Orphanet 676, MedGen C0238339, MONDO:0008185, OMIM 167800.

Submission:

Ambry Genetics
Classification: Uncertain significance for Hereditary pancreatitis. Last evaluated: 2025-12-12. Review status: criteria provided, single submitter. Criteria: Ambry Variant Classification Scheme 2023. Collection method: clinical testing. Allele origin: germline.
Comment: The c.454+3G>C intronic variant results from a G to C substitution 3 nucleotides after coding exon 3 in the PRSS1 gene. This nucleotide position is well conserved in available vertebrate species. In silico splice site analysis for this alteration is inconclusive. Based on the available evidence, the clinical significance of this variant remains unclear.

NM_002769.5(PRSS1):c.454+3G>C

Genes: TRB (T cell receptor beta locus; plus strand), PRSS1 (serine protease 1; plus strand). Cytogenetic location: 7q34.
Variant type: single nucleotide variant.
Coding change: c.454+3G>C on transcript NM_002769.5 (MANE Select); 3 bases into the intron after coding-DNA position 454, G replaced by C.
Molecular consequence: intron variant.
Genome position (GRCh38, 1-based): chr7:142,752,030, G>C. VCF-style: chr7-142752030-G-C. GRCh37 (hg19) VCF-style: chr7-142459881-G-C.
Identifiers: ClinVar variation 4560708 (VCV004560708.1).